The following is an entry in ClinVar:

ClinVar aggregate classification (germline): Pathogenic. Review status: criteria provided, multiple submitters, no conflicts (2 of 4 stars). 2 submissions from 2 submitters: Pathogenic (2). Last evaluated 2023-05-19.

Conditions:
POLG-related disorder. Also called: POLG-related condition; POLG-Related Disorders; POLG-Related Spectrum Disorders. Identifiers: MedGen C4763519.

Submissions (2):

Athena Diagnostics
Classification: Pathogenic. Last evaluated: 2023-05-19. Review status: criteria provided, single submitter. Criteria: Athena Diagnostics Criteria. Collection method: clinical testing. Allele origin: unknown.
Comment: This complex variant comprises two single nucleotide variants: c.752C>T and c.1760C>T. In nearly all published cases these have been observed on the same chromosome (in cis), and are considered as a single pathogenic allele here. The frequency of each single nucleotide variant in the general population is consistent with pathogenicity (Genome Aggregation Database (gnomAD), Cambridge, MA (URL)). In multiple individuals with POLG-related disease, this allele has been seen in trans with a recessive pathogenic variant in the POLG gene, suggesting this allele is also pathogenic. This variant appears to segregate with disease in at least one family. Assessment of experimental evidence suggests this variant results in abnormal protein function. (PMID: 33579567, 28154168)

Women's Health and Genetics/Laboratory Corporation of America, LabCorp
Classification: Pathogenic for POLG-related disorder. Last evaluated: 2022-06-07. Review status: criteria provided, single submitter. Criteria: LabCorp Variant Classification Summary - May 2015. Collection method: clinical testing. Allele origin: germline.
Comment: Variant summary: POLG c.[752C>T;1760C>T] (p.[Thr251Ile;Pro587Leu]) variant is a complex allele and involves the alteration of two nucleotides. The variant allele was found at a frequency of 0.0015 in 249580 control chromosomes in the gnomAD database, including 1 homozygote. c.[752C>T;1760C>T] has been reported in the literature in multiple individuals affected with POLG-Related Spectrum Disorders (e.g. Burusnukul_2009, Tzoulis_2009, Castiglioni_2018, Meira_2019, Piekutowska-Abramczuk_2019, Kierdaszuk_2020). These data indicate that the variant is very likely to be associated with disease. No ClinVar submitters have submitted clinical-significance assessments for this variant to ClinVar after 2014. However, the two nucleotide changes, c.752C>T (p.Thr251Ile) and c.1760C>T (p.Pro587Leu) have been classified independently. For c.752C>T (p.Thr251Ile), eighteen submitters classified the variant as pathogenic, six as likely pathogenic, and 6 as VUS. For c.1760C>T (p.Pro587Leu), eighteen submitters classified the variant as pathogenic, 6 as likely pathogenic, and 4 as VUS. According to the DNA Polymerase Gamma Pathogenicity Prediction Server and Database, 98% of p.Thr251Ile allelic occurrances happen in cis with p.Pro587Leu. Based on the evidence outlined above, the variant was classified as pathogenic.

Literature cited by the submitters: PubMed 12210792 (cited by Athena Diagnostics); PubMed 12707443 (cited by Athena Diagnostics); PubMed 12825077 (cited by Athena Diagnostics); PubMed 14635118 (cited by Athena Diagnostics); PubMed 15349879 (cited by Athena Diagnostics); PubMed 15689359 (cited by Athena Diagnostics); PubMed 18487244 (cited by Athena Diagnostics); PubMed 18828154 (cited by Athena Diagnostics); PubMed 19251978 (cited by Athena Diagnostics); PubMed 19578034 (cited by Athena Diagnostics); PubMed 20385918 (cited by Athena Diagnostics); PubMed 21138766 (cited by Athena Diagnostics); PubMed 21880868 (cited by Athena Diagnostics); PubMed 23324391 (cited by Athena Diagnostics); PubMed 23665194 (cited by Athena Diagnostics); PubMed 23804100 (cited by Athena Diagnostics); PubMed 24508722 (cited by Athena Diagnostics); PubMed 25660390 (cited by Athena Diagnostics); PubMed 25940035 (cited by Athena Diagnostics); PubMed 26104464 (cited by Athena Diagnostics); PubMed 26337858 (cited by Athena Diagnostics); PubMed 26468652 (cited by Athena Diagnostics); PubMed 27538604 (cited by Athena Diagnostics); PubMed 28130605 (cited by Athena Diagnostics); PubMed 28154168 (cited by Athena Diagnostics); PubMed 29474836 (cited by Athena Diagnostics); PubMed 33579567 (cited by Athena Diagnostics); PubMed 19566497 (cited by Women's Health and Genetics/Laboratory Corporation of America, LabCorp); PubMed 19189930 (cited by Women's Health and Genetics/Laboratory Corporation of America, LabCorp); PubMed 29358615 (cited by Women's Health and Genetics/Laboratory Corporation of America, LabCorp); PubMed 33396418 (cited by Women's Health and Genetics/Laboratory Corporation of America, LabCorp); PubMed 30936349 (cited by Women's Health and Genetics/Laboratory Corporation of America, LabCorp); PubMed 30423451 (cited by Women's Health and Genetics/Laboratory Corporation of America, LabCorp).

NM_002693.3(POLG):c.[1760C>T;752C>T]

Variant type: Haplotype.
Identifiers: ClinVar variation 1698500 (VCV001698500.2).